The following is an entry in ClinVar:

ClinVar aggregate classification (germline): Likely benign (1 of 4 stars; one submission).

Conditions:
PLEKHG5-related disorder. Also called: PLEKHG5-related condition.

gnomAD v4.1: 435 of 1,527,350 alleles (0.028%); highest among the groups gnomAD compares: Non-Finnish European, 0.036%; no homozygotes.

Submission:

PreventionGenetics, part of Exact Sciences
Classification: Likely benign for PLEKHG5-related condition. Last evaluated: 2026-04-28. Review status: criteria provided, single submitter. Criteria: ACMG Guidelines, 2015. Collection method: clinical testing. Allele origin: germline.
Comment: This variant is classified as likely benign based on ACMG/AMP sequence variant interpretation guidelines (Richards et al. 2015 PMID: 25741868, with internal and published modifications).

NM_001265592.2(PLEKHG5):c.-54+6G>A

Gene: PLEKHG5 (pleckstrin homology and RhoGEF domain containing G5; minus strand). Cytogenetic location: 1p36.31.
Variant type: single nucleotide variant.
Coding change: c.-54+6G>A on transcript NM_001265592.2; 6 bases into the intron after 54 bases upstream of the start codon, G replaced by A.
Molecular consequence: intron variant.
Genome position (GRCh38, 1-based): chr1:6,496,953, C>T on the plus strand (G>A on the coding strand, the complement: PLEKHG5 is on the minus strand). VCF-style: chr1-6496953-C-T. GRCh37 (hg19) VCF-style: chr1-6557013-C-T.
Other names: c.-164-384G>A (NM_198681.4); c.-54+367G>A (NM_001042663.3).
Identifiers: ClinVar variation 4989480 (VCV004989480.1).